The following is an entry in ClinVar:

NM_002472.3(MYH8):c.1673A>G (p.Gln558Arg)

Genes: MYH8 (myosin heavy chain 8; minus strand), MYHAS (myosin heavy chain gene cluster antisense RNA; plus strand). Cytogenetic location: 17p13.1.
Variant type: single nucleotide variant.
Coding change: c.1673A>G on transcript NM_002472.3 (MANE Select); coding-DNA position 1673, A replaced by G.
Protein change: p.Gln558Arg; replaces glutamine 558 with arginine.
Molecular consequence: missense variant.
Genome position (GRCh38, 1-based): chr17:10,409,503, T>C on the plus strand (A>G on the coding strand, the complement: MYH8 is on the minus strand). VCF-style: chr17-10409503-T-C. GRCh37 (hg19) VCF-style: chr17-10312820-T-C.
Other names: short protein forms Q558R.
Identifiers: ClinVar variation 4883370 (VCV004883370.2).

ClinVar aggregate classification (germline): Uncertain significance (1 of 4 stars; one submission).

Submission:

Dasa
Classification: Uncertain significance. Last evaluated: 2024-07-22. Review status: criteria provided, single submitter. Criteria: DASA Assertion Criteria. Collection method: clinical testing. Allele origin: germline.
Comment: NM_002472.3(MYH8):c.1673A>G (p.Gln558Arg) is a missense variant that results in the substitution of glutamine with arginine. This variant is absent from population databases. The currently available literature and clinical evidence are not sufficient to establish a definitive association between this variant and the reported condition. Therefore, this variant is classified as a variant of uncertain significance.